The following is an entry in ClinVar:

NM_004655.4(AXIN2):c.2482C>G (p.Leu828Val)

Gene: AXIN2 (axin 2; minus strand). Cytogenetic location: 17q24.1.
Variant type: single nucleotide variant.
Coding change: c.2482C>G on transcript NM_004655.4 (MANE Select); coding-DNA position 2482, C replaced by G.
Protein change: p.Leu828Val; replaces leucine 828 with valine.
Molecular consequence: missense variant.
Genome position (GRCh38, 1-based): chr17:65,530,026, G>C on the plus strand (C>G on the coding strand, the complement: AXIN2 is on the minus strand). VCF-style: chr17-65530026-G-C. GRCh37 (hg19) VCF-style: chr17-63526144-G-C.
Other names: c.2287C>G, p.Leu763Val (NM_001363813.1); short protein forms L763V, L828V.
Identifiers: ClinVar variation 5032514 (VCV005032514.1).

ClinVar aggregate classification (germline): Uncertain significance (1 of 4 stars; one submission).

Conditions:
Hereditary cancer-predisposing syndrome. Also called: Neoplastic Syndromes, Hereditary; Tumor predisposition; Hereditary neoplastic syndrome; Hereditary Cancer Syndrome. Identifiers: Orphanet 140162, MedGen C0027672, MeSH D009386, MONDO:0015356.

Submission:

Ambry Genetics
Classification: Uncertain significance for Hereditary cancer-predisposing syndrome. Last evaluated: 2026-07-06. Review status: criteria provided, single submitter. Criteria: Ambry Variant Classification Scheme 2023. Collection method: clinical testing. Allele origin: germline.
Comment: The p.L828V variant (also known as c.2482C>G), located in coding exon 10 of the AXIN2 gene, results from a C to G substitution at nucleotide position 2482. The leucine at codon 828 is replaced by valine, an amino acid with highly similar properties. This amino acid position is conserved. In addition, this alteration is predicted to be deleterious by in silico analysis. Based on the available evidence, the clinical significance of this variant remains unclear.